The following is an entry in ClinVar:

ClinVar aggregate classification (germline): Likely benign (1 of 4 stars; one submission).

Allele frequency attached by ClinVar (database versions not stated): gnomAD 0.00018; TOPMed 0.00018.
gnomAD v4.1: 156 of 791,303 alleles (0.02%); highest among the groups gnomAD compares: Non-Finnish European, 0.023%; no homozygotes.

Submission:

CeGaT Center for Human Genetics Tuebingen
Classification: Likely benign. Last evaluated: 2023-04-01. Review status: criteria provided, single submitter. Criteria: CeGaT Center For Human Genetics Tuebingen Variant Classification Criteria Version 2. Collection method: clinical testing. Allele origin: germline. Affected: yes. Observed: 1 variant allele.
Comment: ENSG00000286366: BS2

NC_000023.11:g.119815271G>C

Gene: UPF3B (UPF3B regulator of nonsense mediated mRNA decay; minus strand). Cytogenetic location: Xq24.
Variant type: single nucleotide variant.
Genome position: GRCh38 VCF-style: chrX-119815271-G-C. GRCh37 (hg19) VCF-style: chrX-118949234-G-C.
Identifiers: ClinVar variation 2661302 (VCV002661302.23), dbSNP rs1043689161, ClinGen allele CA334110877.